The following is an entry in ClinVar:

NM_015164.4(PLEKHM2):c.3044G>A (p.Arg1015Gln)

Gene: PLEKHM2 (pleckstrin homology and RUN domain containing M2; plus strand). Cytogenetic location: 1p36.21.
Variant type: single nucleotide variant.
Coding change: c.3044G>A on transcript NM_015164.4 (MANE Select); coding-DNA position 3044, G replaced by A.
Protein change: p.Arg1015Gln; replaces arginine 1015 with glutamine.
Molecular consequence: missense variant.
Genome position (GRCh38, 1-based): chr1:15,733,918, G>A. VCF-style: chr1-15733918-G-A. GRCh37 (hg19) VCF-style: chr1-16060413-G-A.
Other names: short protein forms R1015Q.
Identifiers: ClinVar variation 574139 (VCV000574139.9), dbSNP rs199904231, ClinGen allele CA617443.

ClinVar aggregate classification (germline): Uncertain significance. Review status: criteria provided, multiple submitters, no conflicts (2 of 4 stars). 2 submissions from 2 submitters: Uncertain significance (2). Last evaluated 2024-10-29.

Conditions:
Dilated Cardiomyopathy, Recessive.

Allele frequency attached by ClinVar (database versions not stated): gnomAD exomes 0.00005 and 0.00013; ExAC 0.00014; ESP Exome Variant Server 0.00024; gnomAD 0.00029 and 0.00032; TOPMed 0.00029.
gnomAD v4.1: 124 of 1,612,266 alleles (0.0077%); highest among the groups gnomAD compares: African/African-American, 0.076%; no homozygotes.

Submissions (2):

Labcorp Genetics (formerly Invitae), Labcorp
Classification: Uncertain significance. Last evaluated: 2024-10-29. Review status: criteria provided, single submitter. Criteria: Invitae Variant Classification Sherloc (09022015). Collection method: clinical testing. Allele origin: germline.
Comment: This sequence change replaces arginine, which is basic and polar, with glutamine, which is neutral and polar, at codon 1015 of the PLEKHM2 protein (p.Arg1015Gln). This variant is present in population databases (rs199904231, gnomAD 0.07%), and has an allele count higher than expected for a pathogenic variant. This variant has not been reported in the literature in individuals affected with PLEKHM2-related conditions. ClinVar contains an entry for this variant (Variation ID: 574139). An algorithm developed to predict the effect of missense changes on protein structure and function (PolyPhen-2) suggests that this variant is likely to be disruptive. In summary, the available evidence is currently insufficient to determine the role of this variant in disease. Therefore, it has been classified as a Variant of Uncertain Significance.

Blueprint Genetics
Classification: Uncertain significance. Last evaluated: 2024-10-28. Review status: criteria provided, single submitter. Criteria: ACMG Guidelines, 2015. Collection method: clinical testing. Allele origin: germline.